The following is an entry in ClinVar:

NM_004186.5(SEMA3F):c.456+10A>T

Gene: SEMA3F (semaphorin 3F; plus strand). Cytogenetic location: 3p21.31.
Variant type: single nucleotide variant.
Coding change: c.456+10A>T on transcript NM_004186.5 (MANE Select); 10 bases into the intron after coding-DNA position 456, A replaced by T.
Molecular consequence: intron variant.
Genome position (GRCh38, 1-based): chr3:50,174,360, A>T. VCF-style: chr3-50174360-A-T. GRCh37 (hg19) VCF-style: chr3-50211793-A-T.
Other names: c.252+10A>T (NM_001318798.2); c.456+10A>T (NM_001318800.2).
Identifiers: ClinVar variation 3032580 (VCV003032580.2), dbSNP rs200248678, ClinGen allele CA2411760.

ClinVar aggregate classification (germline): Likely benign (0 of 4 stars; one submission).

Conditions:
SEMA3F-related disorder. Also called: SEMA3F-related condition.

gnomAD v4.1: 116 of 1,608,656 alleles (0.0072%); highest among the groups gnomAD compares: Middle Eastern, 0.083%; no homozygotes.

Submission:

PreventionGenetics, part of Exact Sciences
Classification: Likely benign for SEMA3F-related condition. Last evaluated: 2021-11-30. Review status: no assertion criteria provided. Collection method: clinical testing. Allele origin: germline.
Comment: This variant is classified as likely benign based on ACMG/AMP sequence variant interpretation guidelines (Richards et al. 2015 PMID: 25741868, with internal and published modifications).